The following is an entry in ClinVar:

NM_001371986.1(UNC80):c.3695G>A (p.Arg1232His)

Genes: UNC80 (unc-80 subunit of NALCN channel complex; plus strand), LOC121725110 (Sharpr-MPRA regulatory region 8902; plus strand). Cytogenetic location: 2q34.
Variant type: single nucleotide variant.
Coding change: c.3695G>A on transcript NM_001371986.1 (MANE Select); coding-DNA position 3695, G replaced by A.
Protein change: p.Arg1232His; replaces arginine 1232 with histidine.
Molecular consequence: missense variant.
Genome position (GRCh38, 1-based): chr2:209,872,825, G>A. VCF-style: chr2-209872825-G-A. GRCh37 (hg19) VCF-style: chr2-210737549-G-A.
Other names: c.3701G>A, p.Arg1234His (NM_032504.2); c.3686G>A, p.Arg1229His (NM_182587.4); short protein forms R1229H, R1234H, R1232H.
Identifiers: ClinVar variation 1421420 (VCV001421420.8), dbSNP rs1231432263, ClinGen allele CA350741505.

ClinVar aggregate classification (germline): Uncertain significance (1 of 4 stars; one submission).

Allele frequency attached by ClinVar (database versions not stated): gnomAD exomes 0.00001.
gnomAD v4.1: 14 of 1,551,436 alleles (0.0009%); highest among the groups gnomAD compares: Non-Finnish European, 0.0012%; no homozygotes.

Submission:

Labcorp Genetics (formerly Invitae), Labcorp
Classification: Uncertain significance. Last evaluated: 2022-01-13. Review status: criteria provided, single submitter. Criteria: Invitae Variant Classification Sherloc (09022015). Collection method: clinical testing. Allele origin: germline.
Comment: In summary, the available evidence is currently insufficient to determine the role of this variant in disease. Therefore, it has been classified as a Variant of Uncertain Significance. Algorithms developed to predict the effect of missense changes on protein structure and function are either unavailable or do not agree on the potential impact of this missense change (SIFT: "Not Available"; PolyPhen-2: "Probably Damaging"; Align-GVGD: "Not Available"). This variant has not been reported in the literature in individuals affected with UNC80-related conditions. This variant is present in population databases (no rsID available, gnomAD 0.002%). This sequence change replaces arginine, which is basic and polar, with histidine, which is basic and polar, at codon 1234 of the UNC80 protein (p.Arg1234His).